The following is an entry in ClinVar:

ClinVar aggregate classification (germline): Benign/Likely benign. Review status: criteria provided, multiple submitters, no conflicts (2 of 4 stars). 2 submissions from 2 submitters: Benign (1); Likely benign (1). Last evaluated 2019-03-31.

Conditions:
Amyotrophic lateral sclerosis type 10 (ALS10). Also called: AMYOTROPHIC LATERAL SCLEROSIS 10 WITHOUT FRONTOTEMPORAL DEMENTIA AND WITH TDP43 INCLUSIONS; AMYOTROPHIC LATERAL SCLEROSIS 10 WITH OR WITHOUT FRONTOTEMPORAL DEMENTIA AND WITH TDP43 INCLUSIONS; AMYOTROPHIC LATERAL SCLEROSIS 10 WITH OR WITHOUT FRONTOTEMPORAL DEMENTIA; TARDBP-Related Amyotrophic Lateral Sclerosis-Frontotemporal Dementia; Amyotrophic lateral sclerosis 10, with or without FTD. Identifiers: Orphanet 275872, Orphanet 803, MedGen C2677565, MONDO:0012790, OMIM 612069.

Allele frequency attached by ClinVar (database versions not stated): 1000 Genomes Project 0.01038; 1000 Genomes Project 30x 0.01109; TOPMed 0.02275; gnomAD 0.02413 and 0.02507; gnomAD exomes 0.03753.
gnomAD v4.1: 48,855 of 1,369,226 alleles (3.6%); highest among the groups gnomAD compares: Non-Finnish European, 4.1%; 1,004 homozygotes.

Submissions (2):

GeneDx
Classification: Likely benign. Last evaluated: 2019-03-31. Review status: criteria provided, single submitter. Criteria: GeneDx Variant Classification Process June 2021. Collection method: clinical testing. Allele origin: germline. Affected: yes.

Illumina Laboratory Services, Illumina
Classification: Benign for Amyotrophic lateral sclerosis type 10. Last evaluated: 2018-01-12. Review status: criteria provided, single submitter. Criteria: ICSL Variant Classification Criteria 13 December 2019. Collection method: clinical testing. Allele origin: germline.
Comment: This variant was observed in the ICSL laboratory as part of a predisposition screen in an ostensibly healthy population. It had not been previously curated by ICSL or reported in the Human Gene Mutation Database (HGMD: prior to June 1st, 2018), and was therefore a candidate for classification through an automated scoring system. Utilizing variant allele frequency, disease prevalence and penetrance estimates, and inheritance mode, an automated score was calculated to assess if this variant is too frequent to cause the disease. Based on the score and internal cut-off values, a variant classified as benign is not then subjected to further curation. The score for this variant resulted in a classification of benign for this disease.

NM_007375.4(TARDBP):c.*208G>A

Gene: TARDBP (TAR DNA binding protein; plus strand). Cytogenetic location: 1p36.22.
Variant type: single nucleotide variant.
Coding change: c.*208G>A on transcript NM_007375.4 (MANE Select); 208 bases downstream of the stop codon, G replaced by A.
Molecular consequence: 3 prime UTR variant.
Genome position (GRCh38, 1-based): chr1:11,022,862, G>A. VCF-style: chr1-11022862-G-A. GRCh37 (hg19) VCF-style: chr1-11082919-G-A.
Identifiers: ClinVar variation 291743 (VCV000291743.8), dbSNP rs148414479, ClinGen allele CA10607296.